The following is an entry in ClinVar:

ClinVar aggregate classification (germline): Benign/Likely benign. Review status: criteria provided, multiple submitters, no conflicts (2 of 4 stars). 3 submissions from 3 submitters: Benign (1); Likely benign (2). Last evaluated 2025-01-10.

Conditions:
Hereditary cancer-predisposing syndrome. Also called: Neoplastic Syndromes, Hereditary; Tumor predisposition; Hereditary Cancer Syndrome; Hereditary neoplastic syndrome. Identifiers: Orphanet 140162, MedGen C0027672, MeSH D009386, MONDO:0015356.
Familial cancer of breast. Also called: BREAST CANCER, FAMILIAL; Hereditary breast cancer; hereditary breast carcinoma. Identifiers: Orphanet 227535, MedGen C0346153, MONDO:0016419, OMIM 114480. Disease mechanism: loss of function.

Submissions (3):

Myriad Genetics, Inc.
Classification: Benign for Familial cancer of breast. Last evaluated: 2025-01-10. Review status: criteria provided, single submitter. Criteria: Myriad Autosomal Dominant, Autosomal Recessive and X-Linked Classification Criteria (2023). Collection method: clinical testing. Allele origin: unknown.
Comment: This variant is considered benign. This variant is a silent/synonymous amino acid change and it is not expected to impact splicing.

Labcorp Genetics (formerly Invitae), Labcorp
Classification: Likely benign for Familial cancer of breast. Last evaluated: 2021-04-18. Review status: criteria provided, single submitter. Criteria: Invitae Variant Classification Sherloc (09022015). Collection method: clinical testing. Allele origin: germline.

Ambry Genetics
Classification: Likely benign for Hereditary cancer-predisposing syndrome. Last evaluated: 2016-09-01. Review status: criteria provided, single submitter. Criteria: Ambry Variant Classification Scheme 2023. Collection method: clinical testing. Allele origin: germline.

NM_024675.4(PALB2):c.480A>G (p.Arg160=)

Gene: PALB2 (partner and localizer of BRCA2; minus strand). Cytogenetic location: 16p12.2.
Variant type: single nucleotide variant.
Coding change: c.480A>G on transcript NM_024675.4 (MANE Select); coding-DNA position 480, A replaced by G.
Protein change: p.Arg160=; no amino-acid change (arginine 160 retained).
Molecular consequence: synonymous variant.
Genome position (GRCh38, 1-based): chr16:23,636,066, T>C on the plus strand (A>G on the coding strand, the complement: PALB2 is on the minus strand). VCF-style: chr16-23636066-T-C. GRCh37 (hg19) VCF-style: chr16-23647387-T-C.
Identifiers: ClinVar variation 484169 (VCV000484169.15), dbSNP rs1555461782, ClinGen allele CA494461947.